The following is an entry in ClinVar:

NM_002074.5(GNB1):c.230G>T (p.Gly77Val)

Gene: GNB1 (G protein subunit beta 1; minus strand). Cytogenetic location: 1p36.33.
Variant type: single nucleotide variant.
Coding change: c.230G>T on transcript NM_002074.5 (MANE Select); coding-DNA position 230, G replaced by T.
Protein change: p.Gly77Val; replaces glycine 77 with valine.
Molecular consequence: missense variant. On other transcripts: 5 prime UTR variant (1).
Genome position (GRCh38, 1-based): chr1:1,806,512, C>A on the plus strand (G>T on the coding strand, the complement: GNB1 is on the minus strand). VCF-style: chr1-1806512-C-A. GRCh37 (hg19) VCF-style: chr1-1737951-C-A.
Other names: c.-71G>T (NM_001282538.2); c.230G>T, p.Gly77Val (NM_001282539.2); short protein forms G77V.
Identifiers: ClinVar variation 1315582 (VCV001315582.4), dbSNP rs1135401746, ClinGen allele CA337916382.
Genomic context (GRCh38, chr1:1,806,512, plus strand): 5'-GAAGGGAATCCTCCAGTCCCTACCTTGTTGGTGGTGTAGCTGTCCCAGATGATAAGTTTA[C>A]CATCCTGCGAGGCACTGACGAGAAGCCTGGAGGGACAGACAAAAGCAAACCTATCAGTAC-3'
Protein context (NP_002065.1, residues 67-87): SRLLVSASQD[Gly77Val]KLIIWDSYTT

ClinVar aggregate classification (germline): Pathogenic. Review status: criteria provided, single submitter (1 of 4 stars). 2 submissions from 2 submitters: Pathogenic (1). 1 of the submissions does not count toward it. Last evaluated 2023-08-27.

Conditions:
Intellectual developmental disorder, autosomal dominant 42. Also called: GNB1 Encephalopathy; Intellectual disability, autosomal dominant 42; Global developmental delay-neuro-ophthalmological abnormalities-seizures-intellectual disability syndrome. Identifiers: Orphanet 488613, MedGen C4310774, MONDO:0014855, OMIM 616973.

Submissions (2):

Labcorp Genetics (formerly Invitae), Labcorp
Classification: Pathogenic. Last evaluated: 2023-08-27. Review status: criteria provided, single submitter. Criteria: Invitae Variant Classification Sherloc (09022015). Collection method: clinical testing. Allele origin: germline.
Comment: This sequence change replaces glycine, which is neutral and non-polar, with valine, which is neutral and non-polar, at codon 77 of the GNB1 protein (p.Gly77Val). This variant is not present in population databases (gnomAD no frequency). This missense change has been observed in individual(s) with GNB1-related neurodevelopmental delay and hypotonia (PMID: 29174093). In at least one individual the variant was observed to be de novo. ClinVar contains an entry for this variant (Variation ID: 1315582). Advanced modeling of protein sequence and biophysical properties (such as structural, functional, and spatial information, amino acid conservation, physicochemical variation, residue mobility, and thermodynamic stability) performed at Invitae indicates that this missense variant is expected to disrupt GNB1 protein function. This variant disrupts the p.Gly77 amino acid residue in GNB1. Other variant(s) that disrupt this residue have been determined to be pathogenic (PMID: 27108799; Invitae). This suggests that this residue is clinically significant, and that variants that disrupt this residue are likely to be disease-causing. For these reasons, this variant has been classified as Pathogenic.

OMIM
Classification: Pathogenic for INTELLECTUAL DEVELOPMENTAL DISORDER, AUTOSOMAL DOMINANT 42. Last evaluated: 2021-11-02. Review status: no assertion criteria provided. Collection method: literature only. Allele origin: germline. Not counted in ClinVar's aggregate classification.

Literature cited by the submitters: PubMed 29174093 (cited by Labcorp Genetics (formerly Invitae), Labcorp and OMIM); PubMed 27108799 (cited by Labcorp Genetics (formerly Invitae), Labcorp).